The following is an entry in ClinVar:

ClinVar aggregate classification (germline): Likely benign (1 of 4 stars; one submission).

Conditions:
Growth delay due to insulin-like growth factor I resistance. Also called: Somatomedin end-organ insensitivity to; Somatomedin-c resistance to; IGF-1 resistance; IGF-I RESISTANCE; Insulin-Like Growth Factor I Resistance. Identifiers: Orphanet 73273, MedGen C1849157, MONDO:0010038, OMIM 270450.

Allele frequency attached by ClinVar (database versions not stated): gnomAD exomes 0.00055; 1000 Genomes Project 0.00200; gnomAD 0.00260 and 0.00279; 1000 Genomes Project 30x 0.00265; TOPMed 0.00280.
gnomAD v4.1: 444 of 233,428 alleles (0.19%); highest among the groups gnomAD compares: African/African-American, 0.9%; 5 homozygotes.

Submission:

Illumina Laboratory Services, Illumina
Classification: Likely benign for Growth delay due to insulin-like growth factor I resistance. Last evaluated: 2018-01-12. Review status: criteria provided, single submitter. Criteria: ICSL Variant Classification Criteria 13 December 2019. Collection method: clinical testing. Allele origin: germline.
Comment: This variant was observed in the ICSL laboratory as part of a predisposition screen in an ostensibly healthy population. It had not been previously curated by ICSL or reported in the Human Gene Mutation Database (HGMD: prior to June 1st, 2018), and was therefore a candidate for classification through an automated scoring system. Utilizing variant allele frequency, disease prevalence and penetrance estimates, and inheritance mode, an automated score was calculated to assess if this variant is too frequent to cause the disease. Based on the score and internal cut-off values, a variant classified as likely benign is not then subjected to further curation. The score for this variant resulted in a classification of likely benign for this disease.

NM_000875.5(IGF1R):c.*3250G>A

Gene: IGF1R (insulin like growth factor 1 receptor; plus strand). Cytogenetic location: 15q26.3.
Variant type: single nucleotide variant.
Coding change: c.*3250G>A on transcript NM_000875.5 (MANE Select); 3250 bases downstream of the stop codon, G replaced by A.
Molecular consequence: 3 prime UTR variant.
Genome position (GRCh38, 1-based): chr15:98,960,692, G>A. VCF-style: chr15-98960692-G-A. GRCh37 (hg19) VCF-style: chr15-99503921-G-A.
Other names: c.*3250G>A (NM_001291858.2).
Identifiers: ClinVar variation 886022 (VCV000886022.4), dbSNP rs147991406, ClinGen allele CA275337248.
Genomic context (GRCh38, chr15:98,960,692, plus strand): 5'-ACCGTGCGGCCATGGCTGCTGCATTCATTGAGCACAAAGGTGCAGCTGCAGCAGCAGCTG[G>A]AGAGCAAGAGTCACCCAGCCTGTGCGCCAGAATGCAGAGGCTCCTGACCTCACAGCCAGT-3'